The following is an entry in ClinVar:

NM_144999.4(LRRC45):c.704A>G (p.Gln235Arg)

Gene: LRRC45 (leucine rich repeat containing 45; plus strand). Cytogenetic location: 17q25.3.
Variant type: single nucleotide variant.
Coding change: c.704A>G on transcript NM_144999.4 (MANE Select); coding-DNA position 704, A replaced by G.
Protein change: p.Gln235Arg; replaces glutamine 235 with arginine.
Molecular consequence: missense variant.
Genome position (GRCh38, 1-based): chr17:82,026,941, A>G. VCF-style: chr17-82026941-A-G. GRCh37 (hg19) VCF-style: chr17-79984817-A-G.
Other names: short protein forms Q235R.
Identifiers: ClinVar variation 4983559 (VCV004983559.1).

ClinVar aggregate classification (germline): Uncertain significance (1 of 4 stars; one submission).

Conditions:
LRRC45-related disorder. Also called: LRRC45-related condition.

gnomAD v4.1: 25 of 1,608,376 alleles (0.0016%); highest among the groups gnomAD compares: Non-Finnish European, 0.0017%; no homozygotes.

Submission:

PreventionGenetics, part of Exact Sciences
Classification: Uncertain significance for LRRC45-related condition. Last evaluated: 2026-05-28. Review status: criteria provided, single submitter. Criteria: ACMG Guidelines, 2015. Collection method: clinical testing. Allele origin: germline.
Comment: The LRRC45 c.704A>G variant is predicted to result in the amino acid substitution p.Gln235Arg. To our knowledge, this variant has not been reported in the literature. This variant is reported in 0.011% of alleles in individuals of European (Non-Finnish) descent in gnomAD. At this time, the clinical significance of this variant is uncertain due to the absence of conclusive functional and genetic evidence.